The following is an entry in ClinVar:

NM_016507.4(CDK12):c.1271C>T (p.Pro424Leu)

Gene: CDK12 (cyclin dependent kinase 12; plus strand). Cytogenetic location: 17q12.
Variant type: single nucleotide variant.
Coding change: c.1271C>T on transcript NM_016507.4 (MANE Select); coding-DNA position 1271, C replaced by T.
Protein change: p.Pro424Leu; replaces proline 424 with leucine.
Molecular consequence: missense variant.
Genome position (GRCh38, 1-based): chr17:39,471,103, C>T. VCF-style: chr17-39471103-C-T. GRCh37 (hg19) VCF-style: chr17-37627356-C-T.
Other names: c.1271C>T, p.Pro424Leu (NM_015083.4); short protein forms P424L.
Identifiers: ClinVar variation 3830624 (VCV003830624.1).

ClinVar aggregate classification (germline): Uncertain significance (1 of 4 stars; one submission).

gnomAD v4.1: 6 of 1,609,672 alleles (0.00037%); highest among the groups gnomAD compares: Non-Finnish European, 0.00042%; no homozygotes.

Submission:

Ambry Genetics
Classification: Uncertain significance. Last evaluated: 2025-02-08. Review status: criteria provided, single submitter. Criteria: Ambry Variant Classification Scheme 2023. Collection method: clinical testing. Allele origin: germline.
Comment: The p.P424L variant (also known as c.1271C>T), located in coding exon 2 of the CDK12 gene, results from a C to T substitution at nucleotide position 1271. The proline at codon 424 is replaced by leucine, an amino acid with similar properties. This amino acid position is conserved. In addition, the in silico prediction for this alteration is inconclusive. Based on the available evidence, the clinical significance of this variant remains unclear.